The following is an entry in ClinVar:

NM_001378452.1(ITPR1):c.6142C>A (p.Leu2048Met)

Gene: ITPR1 (inositol 1,4,5-trisphosphate receptor type 1; plus strand). Cytogenetic location: 3p26.1.
Variant type: single nucleotide variant.
Coding change: c.6142C>A on transcript NM_001378452.1 (MANE Select); coding-DNA position 6142, C replaced by A.
Protein change: p.Leu2048Met; replaces leucine 2048 with methionine.
Molecular consequence: missense variant.
Genome position (GRCh38, 1-based): chr3:4,775,404, C>A. VCF-style: chr3-4775404-C-A. GRCh37 (hg19) VCF-style: chr3-4817088-C-A.
Other names: c.5998C>A, p.Leu2000Met (NM_001099952.4); c.6097C>A, p.Leu2033Met (NM_001168272.2); c.5953C>A, p.Leu1985Met (NM_002222.7); short protein forms L1985M, L2000M, L2033M, L2048M.
Identifiers: ClinVar variation 3369159 (VCV003369159.1).

ClinVar aggregate classification (germline): Uncertain significance (1 of 4 stars; one submission).

gnomAD v4.1: 2 of 1,613,886 alleles (0.00012%); highest among the groups gnomAD compares: Non-Finnish European, 0.00017%; no homozygotes.

Submission:

GeneDx
Classification: Uncertain significance. Last evaluated: 2024-02-12. Review status: criteria provided, single submitter. Criteria: GeneDx Variant Classification Process June 2021. Collection method: clinical testing. Allele origin: germline. Affected: yes.
Comment: In silico analysis supports that this missense variant does not alter protein structure/function; Has not been previously published as pathogenic or benign to our knowledge